The following is an entry in ClinVar:

NM_022772.4(EPS8L2):c.1693T>A (p.Tyr565Asn)

Gene: EPS8L2 (EPS8 signaling adaptor L2; plus strand). Cytogenetic location: 11p15.5.
Variant type: single nucleotide variant.
Coding change: c.1693T>A on transcript NM_022772.4 (MANE Select); coding-DNA position 1693, T replaced by A.
Protein change: p.Tyr565Asn; replaces tyrosine 565 with asparagine.
Molecular consequence: missense variant.
Genome position (GRCh38, 1-based): chr11:726,110, T>A. VCF-style: chr11-726110-T-A. GRCh37 (hg19) VCF-style: chr11-726110-T-A.
Other names: short protein forms Y565N.
Identifiers: ClinVar variation 2305441 (VCV002305441.5), dbSNP rs1862310599, ClinGen allele CA378975098.
Genomic context (GRCh38, chr11:726,110, plus strand): 5'-GAGGCGGGGGCGGGGCGTGGGGAGCCTAATCGCCCCCCGCCCCCGCAGGCCGGTCAGAAG[T>A]ACTGGGGCCCCGCCAGCCCGACCCACAAGCTACCCCCAAGCTTCCCGGGGAACAAAGACG-3'
Protein context (NP_073609.2, residues 555-575): GAPFEQAGQK[Tyr565Asn]WGPASPTHKL

ClinVar aggregate classification (germline): Uncertain significance. Review status: criteria provided, multiple submitters, no conflicts (2 of 4 stars). 2 submissions from 2 submitters: Uncertain significance (2). Last evaluated 2025-04-21.

Allele frequency attached by ClinVar (database versions not stated): gnomAD exomes below 0.00001; gnomAD 0.00002.

Submissions (2):

Labcorp Genetics (formerly Invitae), Labcorp
Classification: Uncertain significance. Last evaluated: 2025-04-21. Review status: criteria provided, single submitter. Criteria: Invitae Variant Classification Sherloc (09022015). Collection method: clinical testing. Allele origin: germline.
Comment: This sequence change replaces tyrosine, which is neutral and polar, with asparagine, which is neutral and polar, at codon 565 of the EPS8L2 protein (p.Tyr565Asn). This variant is not present in population databases (gnomAD no frequency). This variant has not been reported in the literature in individuals affected with EPS8L2-related conditions. ClinVar contains an entry for this variant (Variation ID: 2305441). An algorithm developed to predict the effect of missense changes on protein structure and function (PolyPhen-2) suggests that this variant is likely to be tolerated. In summary, the available evidence is currently insufficient to determine the role of this variant in disease. Therefore, it has been classified as a Variant of Uncertain Significance.

Ambry Genetics
Classification: Uncertain significance. Last evaluated: 2022-08-08. Review status: criteria provided, single submitter. Criteria: Ambry Variant Classification Scheme 2023. Collection method: clinical testing. Allele origin: germline.